The following is an entry in ClinVar:

NM_001347721.2(DYRK1A):c.947G>A (p.Arg316His)

Gene: DYRK1A (dual specificity tyrosine phosphorylation regulated kinase 1A; plus strand). Cytogenetic location: 21q22.13.
Variant type: single nucleotide variant.
Coding change: c.947G>A on transcript NM_001347721.2 (MANE Select); coding-DNA position 947, G replaced by A.
Protein change: p.Arg316His; replaces arginine 316 with histidine.
Molecular consequence: missense variant.
Genome position (GRCh38, 1-based): chr21:37,493,039, G>A. VCF-style: chr21-37493039-G-A. GRCh37 (hg19) VCF-style: chr21-38865341-G-A.
Other names: c.974G>A, p.Arg325His (NM_101395.2, NM_130438.2, NM_001396.5); c.947G>A, p.Arg316His (NM_130436.2, NM_001347722.2); c.860G>A, p.Arg287His (NM_001347723.2); c.974G>A (NM_001396.4); short protein forms R325H, R287H, R316H.
Identifiers: ClinVar variation 424348 (VCV000424348.4), dbSNP rs1064796923, ClinGen allele CA16621001.

ClinVar aggregate classification (germline): Pathogenic/Likely pathogenic. Review status: criteria provided, multiple submitters, no conflicts (2 of 4 stars). 2 submissions from 2 submitters: Pathogenic (1); Likely pathogenic (1). Last evaluated 2026-01-13.

Conditions:
DYRK1A-related disorder.

Submissions (2):

PreventionGenetics, part of Exact Sciences
Classification: Likely pathogenic for DYRK1A-related condition. Last evaluated: 2026-01-13. Review status: criteria provided, single submitter. Criteria: ACMG Guidelines, 2015. Collection method: clinical testing. Allele origin: germline.
Comment: The DYRK1A c.974G>A variant is predicted to result in the amino acid substitution p.Arg325His. This variant has been reported in individuals with developmental disorders (Supplementary Data 5, Wang et al. 2020. PubMed ID: 33004838; de novo in Supplementary Data 3, Zhou et al. 2022. PubMed ID: 35982159). Functional studies revealed that this variant causes reduced kinase activity (Arranz et al. 2019. PubMed ID: 30831192). This variant has not been reported in a large population database (gnomAD), indicating this variant is rare. This variant is interpreted as likely pathogenic.

GeneDx
Classification: Pathogenic. Last evaluated: 2021-04-05. Review status: criteria provided, single submitter. Criteria: GeneDx Variant Classification Process June 2021. Collection method: clinical testing. Allele origin: germline. Affected: yes.
Comment: Published functional studies demonstrate that this variant results in absent kinase activity (Arranz et al., 2019); Not observed in large population cohorts (Lek et al., 2016); In silico analysis supports that this missense variant has a deleterious effect on protein structure/function; This variant is associated with the following publications: (PMID: 30831192)